The following is an entry in ClinVar:

ClinVar aggregate classification (germline): Uncertain significance. Review status: criteria provided, multiple submitters, no conflicts (2 of 4 stars). 6 submissions from 6 submitters: Uncertain significance (6). Last evaluated 2024-06-28.

Conditions:
Cardiovascular phenotype. Identifiers: MedGen CN230736.
Atrial fibrillation, familial, 4 (ATFB4). Identifiers: MedGen C1862394, MONDO:0012677, OMIM 611493.
Long QT syndrome 6 (LQT6). Identifiers: Orphanet 101016, Orphanet 768, MedGen C3150953, MONDO:0013370, OMIM 613693.

Allele frequency attached by ClinVar (database versions not stated): gnomAD exomes below 0.00001; TOPMed 0.00001; ExAC 0.00002; gnomAD 0.00003 and 0.00004.
gnomAD v4.1: 21 of 1,614,084 alleles (0.0013%); highest among the groups gnomAD compares: Non-Finnish European, 0.0017%; no homozygotes.

Submissions (6):

Blueprint Genetics
Classification: Uncertain significance. Last evaluated: 2024-06-28. Review status: criteria provided, single submitter. Criteria: ACMG Guidelines, 2015. Collection method: clinical testing. Allele origin: germline.

CeGaT Center for Human Genetics Tuebingen
Classification: Uncertain significance. Last evaluated: 2023-02-01. Review status: criteria provided, single submitter. Criteria: CeGaT Center For Human Genetics Tuebingen Variant Classification Criteria Version 2. Collection method: clinical testing. Allele origin: germline. Affected: yes. Observed: 1 variant allele.

Fulgent Genetics
Classification: Uncertain significance for Atrial fibrillation, familial, 4; Long QT syndrome 6. Last evaluated: 2021-10-02. Review status: criteria provided, single submitter. Criteria: ACMG Guidelines, 2015. Collection method: clinical testing. Allele origin: unknown.

Labcorp Genetics (formerly Invitae), Labcorp
Classification: Uncertain significance for Long QT syndrome 6. Last evaluated: 2021-08-27. Review status: criteria provided, single submitter. Criteria: Invitae Variant Classification Sherloc (09022015). Collection method: clinical testing. Allele origin: germline.
Comment: This sequence change replaces methionine with leucine at codon 23 of the KCNE2 protein (p.Met23Leu). The methionine residue is highly conserved and there is a small physicochemical difference between methionine and leucine. This variant is present in population databases (rs747045005, ExAC 0.003%). This missense change has been observed in individual(s) with early-onset lone atrial fibrillation (PMID: 24144883, 24796621). Algorithms developed to predict the effect of missense changes on protein structure and function are either unavailable or do not agree on the potential impact of this missense change (SIFT: "Deleterious"; PolyPhen-2: "Benign"; Align-GVGD: "Class C0"). Experimental studies have shown that this missense change affects KCNE2 function (PMID: 24796621). In summary, the available evidence is currently insufficient to determine the role of this variant in disease. Therefore, it has been classified as a Variant of Uncertain Significance.

Ambry Genetics
Classification: Uncertain significance for Cardiovascular phenotype. Last evaluated: 2021-01-04. Review status: criteria provided, single submitter. Criteria: Ambry Variant Classification Scheme 2023. Collection method: clinical testing. Allele origin: germline.
Comment: The p.M23L variant (also known as c.67A>T), located in coding exon 1 of the KCNE2 gene, results from an A to T substitution at nucleotide position 67. The methionine at codon 23 is replaced by leucine, an amino acid with highly similar properties. This variant has been detected in an individual with early onset atrial fibrillation, and in vitro studies suggest this variant may impact ion channel function; however, the physiological relevance of this finding is unclear (Olesen MS et al. Heart Rhythm, 2014 Feb;11:246-51; Nielsen JB et al. Biomark Med, 2014;8:557-70). This amino acid position is well conserved in available vertebrate species; however, leucine is the reference amino acid in other vertebrate species. In addition, the in silico prediction for this alteration is inconclusive. Since supporting evidence is limited at this time, the clinical significance of this alteration remains unclear.

MVZ Martinsried, Medicover Genetics
Classification: Uncertain significance for Long QT syndrome 6. Last evaluated: 2018-03-08. Review status: criteria provided, single submitter. Criteria: ACMG Guidelines, 2015. Collection method: clinical testing. Allele origin: unknown. Affected: yes.

Literature cited by the submitters: PubMed 24144883 (cited by Labcorp Genetics (formerly Invitae), Labcorp and Ambry Genetics); PubMed 24796621 (cited by Labcorp Genetics (formerly Invitae), Labcorp and Ambry Genetics).

NM_172201.2(KCNE2):c.67A>T (p.Met23Leu)

Genes: KCNE2 (potassium voltage-gated channel subfamily E regulatory subunit 2; plus strand), LOC105372791 (uncharacterized LOC105372791; minus strand). Cytogenetic location: 21q22.11.
Variant type: single nucleotide variant.
Coding change: c.67A>T on transcript NM_172201.2 (MANE Select); coding-DNA position 67, A replaced by T.
Protein change: p.Met23Leu; replaces methionine 23 with leucine.
Molecular consequence: missense variant.
Genome position (GRCh38, 1-based): chr21:34,370,545, A>T. VCF-style: chr21-34370545-A-T. GRCh37 (hg19) VCF-style: chr21-35742844-A-T.
Other names: short protein forms M23L.
Identifiers: ClinVar variation 560697 (VCV000560697.34), dbSNP rs747045005, ClinGen allele CA10013396.